The following is an entry in ClinVar:

NM_018671.5(UNC45A):c.1555_1556delinsAA (p.Ala519Asn)

Gene: UNC45A (unc-45 myosin chaperone A; plus strand). Cytogenetic location: 15q26.1.
Variant type: Indel.
Coding change: c.1555_1556delinsAA on transcript NM_018671.5 (MANE Select); coding-DNA positions 1555 to 1556, GC replaced by AA.
Protein change: p.Ala519Asn; replaces alanine 519 with asparagine.
Molecular consequence: missense variant.
Genome position (GRCh38, 1-based): chr15:90,947,850-90,947,851, GC replaced by AA. VCF-style: chr15-90947850-GC-AA. GRCh37 (hg19) VCF-style: chr15-91491080-GC-AA.
Other names: c.1510_1511delinsAA, p.Ala504Asn (NM_001039675.2, NM_001323621.2); c.1555_1556delinsAA, p.Ala519Asn (NM_001323619.1); c.1120_1121delinsAA, p.Ala374Asn (NM_001323620.2); short protein forms A374N, A504N, A519N.
Identifiers: ClinVar variation 1476765 (VCV001476765.4), dbSNP rs2151371816, ClinGen allele CA2573151487.

ClinVar aggregate classification (germline): Uncertain significance. Review status: criteria provided, multiple submitters, no conflicts (2 of 4 stars). 2 submissions from 2 submitters: Uncertain significance (2). Last evaluated 2026-08-24.

Conditions:
UNC45A-related disorder. Also called: UNC45A-related condition.

Submissions (2):

PreventionGenetics, part of Exact Sciences
Classification: Uncertain significance for UNC45A-related condition. Last evaluated: 2026-08-24. Review status: criteria provided, single submitter. Criteria: ACMG Guidelines, 2015. Collection method: clinical testing. Allele origin: germline.
Comment: The UNC45A c.1555_1556delinsAA variant is predicted to result in an in-frame deletion and insertion. To our knowledge, this variant has not been reported in the literature or in a large population database (gnomAD), indicating this variant is rare. At this time, the clinical significance of this variant is uncertain due to the absence of conclusive functional and genetic evidence.

Labcorp Genetics (formerly Invitae), Labcorp
Classification: Uncertain significance. Last evaluated: 2022-08-23. Review status: criteria provided, single submitter. Criteria: Invitae Variant Classification Sherloc (09022015). Collection method: clinical testing. Allele origin: germline.
Comment: This sequence change replaces alanine, which is neutral and non-polar, with asparagine, which is neutral and polar, at codon 519 of the UNC45A protein (p.Ala519Asn). This variant is present in population databases (no rsID available, gnomAD 1.2%). This variant has not been reported in the literature in individuals affected with UNC45A-related conditions. ClinVar contains an entry for this variant (Variation ID: 1476765). Algorithms developed to predict the effect of missense changes on protein structure and function are either unavailable or do not agree on the potential impact of this missense change (SIFT: "Not Available"; PolyPhen-2: "Probably Damaging"; Align-GVGD: "Not Available"). In summary, the available evidence is currently insufficient to determine the role of this variant in disease. Therefore, it has been classified as a Variant of Uncertain Significance.